The following is an entry in ClinVar:

NM_198253.3(TERT):c.-5C>A

Genes: TERT (telomerase reverse transcriptase; minus strand), LOC110806263 (TERT 5' regulatory region; plus strand). Cytogenetic location: 5p15.33.
Variant type: single nucleotide variant.
Coding change: c.-5C>A on transcript NM_198253.3 (MANE Select); 5 bases upstream of the start codon, C replaced by A.
Molecular consequence: 5 prime UTR variant. On other transcripts: non-coding transcript variant (2).
Genome position (GRCh38, 1-based): chr5:1,294,994, G>T on the plus strand (C>A on the coding strand, the complement: TERT is on the minus strand). VCF-style: chr5-1294994-G-T. GRCh37 (hg19) VCF-style: chr5-1295109-G-T.
Other names: c.-5C>A (NM_001193376.3, NM_003219.1).
Identifiers: ClinVar variation 3036157 (VCV003036157.2), dbSNP rs902277725, ClinGen allele CA803699381.
Genomic context (GRCh38, chr5:1,294,994, plus strand): 5'-CGGTAGTGGCTGCGCAGCAGGGAGCGCACGGCTCGGCAGCGGGGAGCGCGCGGCATCGCG[G>T]GGGTGGCCGGGGCCAGGGCTTCCCACGTGCGCAGCAGGACGCAGCGCTGCCTGAAACTCG-3'

ClinVar aggregate classification (germline): Likely benign (0 of 4 stars; one submission).

Conditions:
TERT-related disorder. Also called: TERT-related condition; TERT-related disorders.

gnomAD v4.1: 1 of 1,315,610 alleles (0.000076%); highest among the groups gnomAD compares: South Asian, 0.0023%; no homozygotes.

Submission:

PreventionGenetics, part of Exact Sciences
Classification: Likely benign for TERT-related condition. Last evaluated: 2020-08-06. Review status: no assertion criteria provided. Collection method: clinical testing. Allele origin: germline.
Comment: This variant is classified as likely benign based on ACMG/AMP sequence variant interpretation guidelines (Richards et al. 2015 PMID: 25741868, with internal and published modifications).